The following is an entry in ClinVar:

ClinVar aggregate classification (germline): Uncertain significance (1 of 4 stars; one submission).

Conditions:
Aortic valve disease 2 (AOVD2). Identifiers: MedGen C3542024, MONDO:0013902, OMIM 614823.

gnomAD v4.1: 1 of 1,607,894 alleles (0.000062%); highest among the groups gnomAD compares: Non-Finnish European, 0.000085%; no homozygotes.

Submission:

Labcorp Genetics (formerly Invitae), Labcorp
Classification: Uncertain significance for Aortic valve disease 2. Last evaluated: 2025-12-28. Review status: criteria provided, single submitter. Criteria: Invitae Variant Classification Sherloc (09022015). Collection method: clinical testing. Allele origin: germline.
Comment: This sequence change creates a premature translational stop signal (p.Tyr350*) in the SMAD6 gene. While this is not anticipated to result in nonsense mediated decay, it is expected to disrupt the last 147 amino acid(s) of the SMAD6 protein. This variant is not present in population databases (gnomAD no frequency). This premature translational stop signal has been observed in individual(s) with radioulnar synostosis (PMID: 31138930). Experimental studies and prediction algorithms are not available or were not evaluated, and the functional significance of this variant is currently unknown. In summary, the available evidence is currently insufficient to determine the role of this variant in disease. Therefore, it has been classified as a Variant of Uncertain Significance.

Literature cited by the submitters: PubMed 31138930.

NM_005585.5(SMAD6):c.1050C>A (p.Tyr350Ter)

Gene: SMAD6 (SMAD family member 6; plus strand). Cytogenetic location: 15q22.31.
Variant type: single nucleotide variant.
Coding change: c.1050C>A on transcript NM_005585.5 (MANE Select); coding-DNA position 1050, C replaced by A.
Protein change: p.Tyr350Ter; replaces tyrosine 350 with a stop codon.
Molecular consequence: nonsense. On other transcripts: non-coding transcript variant (1).
Genome position (GRCh38, 1-based): chr15:66,781,094, C>A. VCF-style: chr15-66781094-C-A. GRCh37 (hg19) VCF-style: chr15-67073432-C-A.
Other names: short protein forms Y350*.
Identifiers: ClinVar variation 4809575 (VCV004809575.1).
Genomic context (GRCh38, chr15:66,781,094, plus strand): 5'-CTGGTGCAGCGTGGCGTACTGGGAGCACCGGACGCGCGTGGGCCGCCTCTATGCGGTGTA[C>A]GACCAGGCCGTCAGCATCTTCTACGACCTACCTCAGGGCAGCGGCTTCTGCCTGGGCCAG-3'